The following is an entry in ClinVar:

NM_177438.3(DICER1):c.3724T>G (p.Tyr1242Asp)

Gene: DICER1 (dicer 1, ribonuclease III; minus strand). Cytogenetic location: 14q32.13.
Variant type: single nucleotide variant.
Coding change: c.3724T>G on transcript NM_177438.3 (MANE Select); coding-DNA position 3724, T replaced by G.
Protein change: p.Tyr1242Asp; replaces tyrosine 1242 with aspartic acid.
Molecular consequence: missense variant.
Genome position (GRCh38, 1-based): chr14:95,103,672, A>C on the plus strand (T>G on the coding strand, the complement: DICER1 is on the minus strand). VCF-style: chr14-95103672-A-C. GRCh37 (hg19) VCF-style: chr14-95570009-A-C.
Other names: c.3724T>G, p.Tyr1242Asp (NM_001195573.1, NM_001271282.3, NM_001291628.2 and 1 more transcripts); short protein forms Y1242D.
Identifiers: ClinVar variation 483423 (VCV000483423.18), dbSNP rs1273768047, ClinGen allele CA390874243.

ClinVar aggregate classification (germline): Uncertain significance. Review status: criteria provided, multiple submitters, no conflicts (2 of 4 stars). 3 submissions from 3 submitters: Uncertain significance (3). Last evaluated 2026-01-09.

Conditions:
DICER1-related tumor predisposition. Also called: DICER1-related pleuropulmonary blastoma cancer predisposition syndrome; DICER1 syndrome. Identifiers: Orphanet 284343, MedGen C3839822, MONDO:0100216.
Global developmental delay - lung cysts - overgrowth - Wilms tumor syndrome. Also called: GLOBAL DEVELOPMENTAL DELAY, LUNG CYSTS, OVERGROWTH, AND WILMS TUMOR; GLOW Syndrome. Identifiers: Orphanet 404476, MedGen C4748924, MONDO:0018445, OMIM 618272.
Hereditary cancer-predisposing syndrome. Also called: Hereditary neoplastic syndrome; Neoplastic Syndromes, Hereditary; Tumor predisposition; Hereditary Cancer Syndrome. Identifiers: Orphanet 140162, MedGen C0027672, MeSH D009386, MONDO:0015356.

Allele frequency attached by ClinVar (database versions not stated): gnomAD exomes 0.00001.
gnomAD v4.1: 4 of 1,614,164 alleles (0.00025%); highest among the groups gnomAD compares: East Asian, 0.0089%; no homozygotes.

Submissions (3):

Labcorp Genetics (formerly Invitae), Labcorp
Classification: Uncertain significance for DICER1-related tumor predisposition. Last evaluated: 2026-01-09. Review status: criteria provided, single submitter. Criteria: Invitae Variant Classification Sherloc (09022015). Collection method: clinical testing. Allele origin: germline.
Comment: This sequence change replaces tyrosine, which is neutral and polar, with aspartic acid, which is acidic and polar, at codon 1242 of the DICER1 protein (p.Tyr1242Asp). This variant is present in population databases (no rsID available, gnomAD 0.02%). This variant has not been reported in the literature in individuals affected with DICER1-related conditions. ClinVar contains an entry for this variant (Variation ID: 483423). Invitae Evidence Modeling of protein sequence and biophysical properties (such as structural, functional, and spatial information, amino acid conservation, physicochemical variation, residue mobility, and thermodynamic stability) indicates that this missense variant is not expected to disrupt DICER1 protein function with a negative predictive value of 95%. In summary, the available evidence is currently insufficient to determine the role of this variant in disease. Therefore, it has been classified as a Variant of Uncertain Significance.

Ambry Genetics
Classification: Uncertain significance for Hereditary cancer-predisposing syndrome. Last evaluated: 2025-09-23. Review status: criteria provided, single submitter. Criteria: Ambry Variant Classification Scheme 2023. Collection method: clinical testing. Allele origin: germline.
Comment: The p.Y1242D variant (also known as c.3724T>G), located in coding exon 20 of the DICER1 gene, results from a T to G substitution at nucleotide position 3724. The tyrosine at codon 1242 is replaced by aspartic acid, an amino acid with highly dissimilar properties. This amino acid position is not well conserved in available vertebrate species. In addition, this alteration is predicted to be deleterious by in silico analysis. Based on the available evidence, the clinical significance of this variant remains unclear.

Baylor Genetics
Classification: Uncertain significance for Global developmental delay - lung cysts - overgrowth - Wilms tumor syndrome. Last evaluated: 2023-11-11. Review status: criteria provided, single submitter. Criteria: ACMG Guidelines, 2015. Collection method: clinical testing. Allele origin: unknown.